The following is an entry in ClinVar:

ClinVar aggregate classification (germline): Likely pathogenic. Review status: criteria provided, multiple submitters, no conflicts (2 of 4 stars). 3 submissions from 3 submitters: Likely pathogenic (3). Last evaluated 2023-04-11.

Conditions:
Microcephaly 5, primary, autosomal recessive (MCPH5). Also called: ASPM Primary Microcephaly. Identifiers: Orphanet 2512, MedGen C1837501, MONDO:0012106, OMIM 608716.
Autosomal recessive primary microcephaly. Identifiers: Orphanet 2512, MedGen C3711387, MONDO:0016660.

Submissions (3):

Genome-Nilou Lab
Classification: Likely pathogenic for Microcephaly 5, primary, autosomal recessive. Last evaluated: 2023-04-11. Review status: criteria provided, single submitter. Criteria: ACMG Guidelines, 2015. Collection method: clinical testing. Allele origin: germline. Affected: no.

Women's Health and Genetics/Laboratory Corporation of America, LabCorp
Classification: Likely pathogenic for Autosomal recessive primary microcephaly. Last evaluated: 2023-01-27. Review status: criteria provided, single submitter. Criteria: LabCorp Variant Classification Summary - May 2015. Collection method: clinical testing. Allele origin: germline.
Comment: Variant summary: ASPM c.4995T>A (p.Tyr1665X) results in a premature termination codon, predicted to cause a truncation of the encoded protein or absence of the protein due to nonsense mediated decay, which are commonly known mechanisms for disease. Truncations downstream of this position have been classified as pathogenic in ClinVar database. The variant was absent in 249324 control chromosomes. To our knowledge, no occurrence of c.4995T>A in individuals affected with Primary Autosomal Recessive Microcephaly and no experimental evidence demonstrating its impact on protein function have been reported. One clinical diagnostic laboratory has submitted clinical-significance assessments for this variant to ClinVar after 2014 without evidence for independent evaluation. One laboratory classified the variant as pathogenic/likely pathogenic. Based on the evidence outlined above, the variant was classified as likely pathogenic.

Department of Clinical Genetics, Copenhagen University Hospital, Rigshospitalet
Classification: Likely pathogenic for Microcephaly 5, primary, autosomal recessive. Last evaluated: 2021-08-01. Review status: criteria provided, single submitter. Criteria: ACMG Guidelines, 2015. Collection method: clinical testing. Allele origin: inherited. Affected: yes.

NM_018136.5(ASPM):c.4995T>A (p.Tyr1665Ter)

Gene: ASPM (assembly factor for spindle microtubules; minus strand). Cytogenetic location: 1q31.3.
Variant type: single nucleotide variant.
Coding change: c.4995T>A on transcript NM_018136.5 (MANE Select); coding-DNA position 4995, T replaced by A.
Protein change: p.Tyr1665Ter; replaces tyrosine 1665 with a stop codon.
Molecular consequence: nonsense. On other transcripts: intron variant (1).
Genome position (GRCh38, 1-based): chr1:197,104,256, A>T on the plus strand (T>A on the coding strand, the complement: ASPM is on the minus strand). VCF-style: chr1-197104256-A-T. GRCh37 (hg19) VCF-style: chr1-197073386-A-T.
Other names: c.4066-8092T>A (NM_001206846.2); short protein forms Y1665*.
Identifiers: ClinVar variation 1679322 (VCV001679322.6), dbSNP rs2125096196, ClinGen allele CA344028169.
Genomic context (GRCh38, chr1:197,104,256, plus strand): 5'-CAATTTTATTGTAGCATTTTTTAGGCTCAAAAATTCCTTTTTAGAAACATAAGCACGATA[A>T]TATGATTGAATCTTTATAACAGATGTGAGGATGTGAATATACATTTTCCTGGCTTGCATC-3'